The following is an entry in ClinVar:

NM_000088.4(COL1A1):c.441del (p.Gly148fs)

Gene: COL1A1 (collagen type I alpha 1 chain; minus strand). Cytogenetic location: 17q21.33.
Variant type: Deletion.
Coding change: c.441del on transcript NM_000088.4 (MANE Select); coding-DNA position 441, one base deleted (C; older notation c.441delC).
Protein change: p.Gly148fs; shifts the reading frame from glycine 148.
Molecular consequence: frameshift variant.
Genome position (GRCh38, 1-based): chr17:50,199,256, G deleted on the plus strand (C on the coding strand, the reverse complement: COL1A1 is on the minus strand); the first of 6 consecutive G bases (chr17:50,199,256-50,199,261); deleting any one gives the same sequence. VCF-style (leftmost placement, unchanged base first): chr17-50199255-CG-C. GRCh37 (hg19) VCF-style: chr17-48276616-CG-C.
Other names: c.441delC (NM_000088.3); short protein forms G148fs.
Identifiers: ClinVar variation 659812 (VCV000659812.17), dbSNP rs1473458290, ClinGen allele CA626486275.

ClinVar aggregate classification (germline): Pathogenic. Review status: criteria provided, multiple submitters, no conflicts (2 of 4 stars). 5 submissions from 5 submitters: Pathogenic (5). Last evaluated 2026-01-30.

Conditions:
Osteogenesis imperfecta type I (OI1). Also called: Lobstein disease; Classic Non-deforming Osteogenesis Imperfecta with Blue Sclerae; OI, TYPE I; OSTEOGENESIS IMPERFECTA TARDA; OSTEOGENESIS IMPERFECTA WITH BLUE SCLERAE; Osteogenesis imperfecta type 1. Identifiers: Orphanet 216796, Orphanet 666, MedGen C0023931, MONDO:0008146, OMIM 166200. Disease mechanism: loss of function.

Submissions (5):

3billion
Classification: Pathogenic for Osteogenesis imperfecta type I. Last evaluated: 2026-01-30. Review status: criteria provided, single submitter. Criteria: ACMG Guidelines, 2015. Collection method: clinical testing. Allele origin: germline. Affected: yes.
Comment: The variant is observed at an extremely low frequency in the gnomAD v4.1.0 dataset (total allele frequency: <0.001%). Predicted Consequence/Location: Frameshift: predicted to result in a loss or disruption of normal protein function through nonsense-mediated decay (NMD) or protein truncation. Multiple pathogenic variants are reported downstream of the variant. The variant has been reported at least twice as pathogenic with clinical assertions and evidence for the classification (ClinVar ID: VCV000659812 /PMID: 21667357). Therefore, this variant is classified as Pathogenic according to the recommendation of ACMG/AMP guideline.

GeneDx
Classification: Pathogenic. Last evaluated: 2025-12-30. Review status: criteria provided, single submitter. Criteria: GeneDx Variant Classification Process June 2021. Collection method: clinical testing. Allele origin: germline. Affected: yes.
Comment: Frameshift variant predicted to result in protein truncation or nonsense mediated decay in a gene for which loss of function is a known mechanism of disease; No data available from control populations to assess the frequency of this variant; This variant is associated with the following publications: (PMID: 26627451, 37079061, 38828893, 27509835, 40760627, 21667357)

Labcorp Genetics (formerly Invitae), Labcorp
Classification: Pathogenic for Osteogenesis imperfecta type I. Last evaluated: 2025-09-01. Review status: criteria provided, single submitter. Criteria: Invitae Variant Classification Sherloc (09022015). Collection method: clinical testing. Allele origin: germline.
Comment: This sequence change creates a premature translational stop signal (p.Gly148Aspfs*117) in the COL1A1 gene. It is expected to result in an absent or disrupted protein product. Loss-of-function variants in COL1A1 are known to be pathogenic (PMID: 7942841, 9295084, 9443882). The frequency data for this variant in the population databases is considered unreliable, as metrics indicate poor data quality at this position in the gnomAD database. This premature translational stop signal has been observed in individuals with osteogenesis imperfecta type I (PMID: 21667357, 26627451). ClinVar contains an entry for this variant (Variation ID: 659812). For these reasons, this variant has been classified as Pathogenic.

Clinical Biomedical Laboratory, Shriners Hospital For Children - Canada
Classification: Pathogenic for Osteogenesis imperfecta type I. Last evaluated: 2025-06-18. Review status: criteria provided, single submitter. Criteria: ACMG Guidelines, 2015. Collection method: clinical testing. Allele origin: germline. Affected: yes.
Comment: This variant introduces a frameshift in COL1A1 and is expected to lead to a premature termination codon, which results in degradation of the affected mRNA and halpoinsufficiency of the corresponding collagen type I alpha 1 chain. Haploinsufficiency of collagen type I alpha 1 is a typical cause of oestogenesis imperfecta type I. The variant has been reported as a cause of osteogenesis imperfecta in the literature (PMID 27509835).

Athena Diagnostics
Classification: Pathogenic. Last evaluated: 2019-03-20. Review status: criteria provided, single submitter. Criteria: Athena Diagnostics Criteria. Collection method: clinical testing. Allele origin: germline.
Comment: The variant results in a shift of the reading frame, and is therefore predicted to result in the loss of a functional protein. Found in at least one symptomatic patient, and found in general population data that is consistent with pathogenicity.

Literature cited by the submitters: PubMed 21667357 (cited by 3 submitters); PubMed 7942841 (cited by Labcorp Genetics (formerly Invitae), Labcorp); PubMed 9295084 (cited by Labcorp Genetics (formerly Invitae), Labcorp); PubMed 9443882 (cited by Labcorp Genetics (formerly Invitae), Labcorp); PubMed 26627451 (cited by Labcorp Genetics (formerly Invitae), Labcorp and Athena Diagnostics); PubMed 27509835 (cited by Clinical Biomedical Laboratory, Shriners Hospital For Children - Canada).